The following is an entry in ClinVar:

ClinVar aggregate classification (germline): Conflicting classifications of pathogenicity. Review status: criteria provided, conflicting classifications (1 of 4 stars). 4 submissions from 4 submitters: Uncertain significance (1); Likely benign (3). Last evaluated 2025-11-18.

Conditions:
SH3PXD2B-related disorder. Also called: SH3PXD2B-related condition.
Frank-Ter Haar syndrome. Also called: BORRONE DERMATOCARDIOSKELETAL SYNDROME; TER HAAR SYNDROME; MELNICK-NEEDLES SYNDROME, AUTOSOMAL RECESSIVE; Borrone di Rocco Crovato syndrome. Identifiers: Orphanet 1266, Orphanet 137834, MedGen C1855305, MONDO:0009579, OMIM 249420.

Allele frequency attached by ClinVar (database versions not stated): TOPMed 0.00017; ExAC 0.00020; ESP Exome Variant Server 0.00031; 1000 Genomes Project 30x 0.00047; 1000 Genomes Project 0.00060.
gnomAD v4.1: 396 of 1,612,878 alleles (0.025%); highest among the groups gnomAD compares: Middle Eastern, 0.033%; no homozygotes.

Submissions (4):

Labcorp Genetics (formerly Invitae), Labcorp
Classification: Likely benign. Last evaluated: 2025-11-18. Review status: criteria provided, single submitter. Criteria: Invitae Variant Classification Sherloc (09022015). Collection method: clinical testing. Allele origin: germline.

PreventionGenetics, part of Exact Sciences
Classification: Likely benign for SH3PXD2B-related condition. Last evaluated: 2025-07-31. Review status: criteria provided, single submitter. Criteria: ACMG Guidelines, 2015. Collection method: clinical testing. Allele origin: germline.
Comment: This variant is classified as likely benign based on ACMG/AMP sequence variant interpretation guidelines (Richards et al. 2015 PMID: 25741868, with internal and published modifications).

CeGaT Center for Human Genetics Tuebingen
Classification: Likely benign. Last evaluated: 2023-07-01. Review status: criteria provided, single submitter. Criteria: CeGaT Center For Human Genetics Tuebingen Variant Classification Criteria Version 2. Collection method: clinical testing. Allele origin: germline. Affected: yes. Observed: 1 variant allele.
Comment: SH3PXD2B: BP4, BP7

Illumina Laboratory Services, Illumina
Classification: Uncertain significance for Frank-Ter Haar syndrome. Last evaluated: 2018-01-13. Review status: criteria provided, single submitter. Criteria: ICSL Variant Classification Criteria 13 December 2019. Collection method: clinical testing. Allele origin: germline.

NM_001017995.3(SH3PXD2B):c.885G>A (p.Pro295=)

Gene: SH3PXD2B (SH3 and PX domains 2B; minus strand). Cytogenetic location: 5q35.1.
Variant type: single nucleotide variant.
Coding change: c.885G>A on transcript NM_001017995.3 (MANE Select); coding-DNA position 885, G replaced by A.
Protein change: p.Pro295=; no amino-acid change (proline 295 retained).
Molecular consequence: synonymous variant.
Genome position (GRCh38, 1-based): chr5:172,350,490, C>T on the plus strand (G>A on the coding strand, the complement: SH3PXD2B is on the minus strand). VCF-style: chr5-172350490-C-T. GRCh37 (hg19) VCF-style: chr5-171777494-C-T.
Other names: c.885G>A, p.Pro295= (NM_001308175.2).
Identifiers: ClinVar variation 352819 (VCV000352819.38), dbSNP rs145767631, ClinGen allele CA3561390.
Genomic context (GRCh38, chr5:172,350,490, plus strand): 5'-CTCCTTCTCCCTGCCCACCGCGTTCTGCTGCCGGGAAACACCATCCAAGTCAAGGGCACC[C>T]GGGTGGGAGGGTGAGCCAGGGCCTGGCTTCGGGGGCAAGGGCTCCCCACTGTTCTTCTTT-3'
Protein context (NP_001017995.1, residues 285-305): PKPGPGSPSH[Pro295=]GALDLDGVSR